The following is an entry in ClinVar:

ClinVar aggregate classification (germline): Likely benign. Review status: criteria provided, single submitter (1 of 4 stars). 2 submissions from 2 submitters: Likely benign (1). 1 of the submissions does not count toward it. Last evaluated 2025-04-01.

Conditions:
MAP1B-related disorder. Also called: MAP1B-related condition.

Allele frequency attached by ClinVar (database versions not stated): ESP Exome Variant Server 0.00008; gnomAD 0.00013; 1000 Genomes Project 30x 0.00016; gnomAD exomes 0.00017; TOPMed 0.00017; 1000 Genomes Project 0.00020; ExAC 0.00035.
gnomAD v4.1: 270 of 1,614,104 alleles (0.017%); highest among the groups gnomAD compares: South Asian, 0.18%; 4 homozygotes.

Submissions (2):

CeGaT Center for Human Genetics Tuebingen
Classification: Likely benign. Last evaluated: 2025-04-01. Review status: criteria provided, single submitter. Criteria: CeGaT Center For Human Genetics Tuebingen Variant Classification Criteria Version 2. Collection method: clinical testing. Allele origin: germline. Affected: yes. Observed: 1 variant allele.
Comment: MAP1B: BP4, BP7

PreventionGenetics, part of Exact Sciences
Classification: Likely benign for MAP1B-related condition. Last evaluated: 2022-11-29. Review status: no assertion criteria provided. Collection method: clinical testing. Allele origin: germline. Not counted in ClinVar's aggregate classification.
Comment: This variant is classified as likely benign based on ACMG/AMP sequence variant interpretation guidelines (Richards et al. 2015 PMID: 25741868, with internal and published modifications).

NM_005909.5(MAP1B):c.6492G>A (p.Pro2164=)

Gene: MAP1B (microtubule associated protein 1B; plus strand). Cytogenetic location: 5q13.2.
Variant type: single nucleotide variant.
Coding change: c.6492G>A on transcript NM_005909.5 (MANE Select); coding-DNA position 6492, G replaced by A.
Protein change: p.Pro2164=; no amino-acid change (proline 2164 retained).
Molecular consequence: synonymous variant.
Genome position (GRCh38, 1-based): chr5:72,199,847, G>A. VCF-style: chr5-72199847-G-A. GRCh37 (hg19) VCF-style: chr5-71495674-G-A.
Other names: c.6114G>A, p.Pro2038= (NM_001324255.2).
Identifiers: ClinVar variation 3043375 (VCV003043375.9), dbSNP rs142747534, ClinGen allele CA3299491.